The following is an entry in ClinVar:

ClinVar aggregate classification (germline): Uncertain significance (1 of 4 stars; one submission).

Allele frequency attached by ClinVar (database versions not stated): gnomAD exomes below 0.00001; TOPMed 0.00002.

Submission:

Labcorp Genetics (formerly Invitae), Labcorp
Classification: Uncertain significance. Last evaluated: 2022-09-27. Review status: criteria provided, single submitter. Criteria: Invitae Variant Classification Sherloc (09022015). Collection method: clinical testing. Allele origin: germline.
Comment: This variant is present in population databases (no rsID available, gnomAD no frequency). This sequence change replaces valine, which is neutral and non-polar, with alanine, which is neutral and non-polar, at codon 394 of the DSG1 protein (p.Val394Ala). In summary, the available evidence is currently insufficient to determine the role of this variant in disease. Therefore, it has been classified as a Variant of Uncertain Significance. Advanced modeling of protein sequence and biophysical properties (such as structural, functional, and spatial information, amino acid conservation, physicochemical variation, residue mobility, and thermodynamic stability) performed at Invitae indicates that this missense variant is not expected to disrupt DSG1 protein function. This variant has not been reported in the literature in individuals affected with DSG1-related conditions.

NM_001942.4(DSG1):c.1181T>C (p.Val394Ala)

Gene: DSG1 (desmoglein 1; plus strand). Cytogenetic location: 18q12.1.
Variant type: single nucleotide variant.
Coding change: c.1181T>C on transcript NM_001942.4 (MANE Select); coding-DNA position 1181, T replaced by C.
Protein change: p.Val394Ala; replaces valine 394 with alanine.
Molecular consequence: missense variant.
Genome position (GRCh38, 1-based): chr18:31,336,529, T>C. VCF-style: chr18-31336529-T-C. GRCh37 (hg19) VCF-style: chr18-28916492-T-C.
Other names: short protein forms V394A.
Identifiers: ClinVar variation 2167873 (VCV002167873.4), dbSNP rs1289568977, ClinGen allele CA402134025.
Genomic context (GRCh38, chr18:31,336,529, plus strand): 5'-TGACTGTGTTAAATGTAATTGAAGGCCCAGTGTTTCGTCCAGGTTCAAAGACATATGTTG[T>C]AACTGGTAATATGGGATCAAATGATAAAGTGGGAGACTTTGTAGCTACTGACCTGGACAC-3'
Protein context (NP_001933.2, residues 384-404): VFRPGSKTYV[Val394Ala]TGNMGSNDKV